The following is an entry in ClinVar:

ClinVar aggregate classification (germline): Uncertain significance (1 of 4 stars; one submission).

gnomAD v4.1: 1 of 1,540,538 alleles (0.000065%); highest among the groups gnomAD compares: Non-Finnish European, 0.000087%; no homozygotes.

Submission:

CeGaT Center for Human Genetics Tuebingen
Classification: Uncertain significance. Last evaluated: 2026-04-01. Review status: criteria provided, single submitter. Criteria: CeGaT Center For Human Genetics Tuebingen Variant Classification Criteria Version 2. Collection method: clinical testing. Allele origin: germline. Affected: yes. Observed: 1 variant allele.
Comment: NEB: PM2, BP4

NM_001164508.2(NEB):c.8981T>C (p.Ile2994Thr)

Gene: NEB (nebulin; minus strand). Cytogenetic location: 2q23.3.
Variant type: single nucleotide variant.
Coding change: c.8981T>C on transcript NM_001164508.2 (MANE Select); coding-DNA position 8981, T replaced by C.
Protein change: p.Ile2994Thr; replaces isoleucine 2994 with threonine.
Molecular consequence: missense variant. On other transcripts: intron variant (1).
Genome position (GRCh38, 1-based): chr2:151,639,293, A>G on the plus strand (T>C on the coding strand, the complement: NEB is on the minus strand). VCF-style: chr2-151639293-A-G. GRCh37 (hg19) VCF-style: chr2-152495807-A-G.
Other names: c.8981T>C, p.Ile2994Thr (NM_001164507.2, NM_001271208.2); c.8853+600T>C (NM_004543.5); short protein forms I2994T.
Identifiers: ClinVar variation 4872844 (VCV004872844.2).
Genomic context (GRCh38, chr2:151,639,293, plus strand): 5'-AACTGAAATAAGCAGCAGTGTGCAAATGTCAAAGAATCTGCTCTCACCTCACTGTAGTTG[A>G]TTTTGTTCATTCTTGCCAACATAATTTCTGGTGTGTCTGGCATTATGTGGATCTGAGTCT-3'
Protein context (NP_001157980.2, residues 2984-3004): PEIMLARMNK[Ile2994Thr]NYSESLYKLA